The following is an entry in ClinVar:

ClinVar aggregate classification (germline): Uncertain significance (1 of 4 stars; one submission).

Submission:

GeneDx
Classification: Uncertain significance. Last evaluated: 2024-09-16. Review status: criteria provided, single submitter. Criteria: GeneDx Variant Classification Process June 2021. Collection method: clinical testing. Allele origin: germline. Affected: yes.
Comment: Not observed at significant frequency in large population cohorts (gnomAD); In silico analysis supports that this missense variant has a deleterious effect on protein structure/function; Has not been previously published as pathogenic or benign to our knowledge

NM_007327.4(GRIN1):c.980C>A (p.Ser327Tyr)

Gene: GRIN1 (glutamate ionotropic receptor NMDA type subunit 1; plus strand). Cytogenetic location: 9q34.3.
Variant type: single nucleotide variant.
Coding change: c.980C>A on transcript NM_007327.4 (MANE Select); coding-DNA position 980, C replaced by A.
Protein change: p.Ser327Tyr; replaces serine 327 with tyrosine.
Molecular consequence: missense variant.
Genome position (GRCh38, 1-based): chr9:137,158,390, C>A. VCF-style: chr9-137158390-C-A. GRCh37 (hg19) VCF-style: chr9-140052842-C-A.
Other names: c.980C>A, p.Ser327Tyr (NM_000832.7, NM_021569.4); c.1043C>A, p.Ser348Tyr (NM_001185090.2, NM_001185091.2); short protein forms S327Y, S348Y.
Identifiers: ClinVar variation 3770073 (VCV003770073.1).